The following is an entry in ClinVar:

NM_001385641.1(SAMD11):c.610-73GCCCCACCTTCCTCTCCTCCT[2]

Gene: SAMD11 (sterile alpha motif domain containing 11; plus strand). Cytogenetic location: 1p36.33.
Variant type: Microsatellite.
Coding change: c.610-73GCCCCACCTTCCTCTCCTCCT[2] on transcript NM_001385641.1 (MANE Select); two copies in a row of the 21-base unit GCCCCACCTTCCTCTCCTCCT starting at c.610-73.
Molecular consequence: intron variant.
Genome position: GRCh38 VCF-style: chr1-930081-AGCCCCACCTTCCTCTCCTCCT-A. GRCh37 (hg19) VCF-style: chr1-865461-AGCCCCACCTTCCTCTCCTCCT-A.
Other names: c.610-73GCCCCACCTTCCTCTCCTCCT[2] (NM_001385640.1); c.73-73GCCCCACCTTCCTCTCCTCCT[2] (NM_152486.4).
Identifiers: ClinVar variation 3038970 (VCV003038970.2), dbSNP rs879326979, ClinGen allele CA16706905.
Genomic context (GRCh38, chr1:930,081, plus strand): 5'-GGGGCTCGGCCTGGGGTGCGAGACCAGGGCAGACCCCCGGGAGATGGAACGGCCCGGTCC[AGCCCCACCTTCCTCTCCTCCT>A]GCCCCACCTTCCTCTCCTCCTGCCCCACCTTCCTCTCCTCCTGCCCCACCAGAACCGGGG-3'

ClinVar aggregate classification (germline): Likely benign (0 of 4 stars; one submission).

Conditions:
SAMD11-related disorder. Also called: SAMD11-related condition.

Submission:

PreventionGenetics, part of Exact Sciences
Classification: Likely benign for SAMD11-related condition. Last evaluated: 2019-05-28. Review status: no assertion criteria provided. Collection method: clinical testing. Allele origin: germline.
Comment: This variant is classified as likely benign based on ACMG/AMP sequence variant interpretation guidelines (Richards et al. 2015 PMID: 25741868, with internal and published modifications).